The following is an entry in ClinVar:

NM_003128.3(SPTBN1):c.2284G>T (p.Asp762Tyr)

Gene: SPTBN1 (spectrin beta, non-erythrocytic 1; plus strand). Cytogenetic location: 2p16.2.
Variant type: single nucleotide variant.
Coding change: c.2284G>T on transcript NM_003128.3 (MANE Select); coding-DNA position 2284, G replaced by T.
Protein change: p.Asp762Tyr; replaces aspartic acid 762 with tyrosine.
Molecular consequence: missense variant.
Genome position (GRCh38, 1-based): chr2:54,629,418, G>T. VCF-style: chr2-54629418-G-T. GRCh37 (hg19) VCF-style: chr2-54856555-G-T.
Other names: c.2245G>T, p.Asp749Tyr (NM_178313.3); short protein forms D749Y, D762Y.
Identifiers: ClinVar variation 5030185 (VCV005030185.1).

ClinVar aggregate classification (germline): Uncertain significance (1 of 4 stars; one submission).

Conditions:
Inborn genetic diseases. Identifiers: MedGen C0950123, MeSH D030342.

gnomAD v4.1: 2 of 1,614,034 alleles (0.00012%); highest among the groups gnomAD compares: Non-Finnish European, 0.00017%; no homozygotes.

Submission:

Ambry Genetics
Classification: Uncertain significance for Inborn genetic diseases. Last evaluated: 2026-06-17. Review status: criteria provided, single submitter. Criteria: Ambry Variant Classification Scheme 2023. Collection method: clinical testing. Allele origin: germline.
Comment: The c.2284G>T (p.D762Y) alteration is located in exon 14 (coding exon 13) of the SPTBN1 gene. This alteration results from a G to T substitution at nucleotide position 2284, causing the aspartic acid (D) at amino acid position 762 to be replaced by a tyrosine (Y). Based on data from gnomAD, the T allele has an overall frequency of 0.003% (1/31406) total alleles studied. The highest observed frequency was 0.007% (1/15430) of European (non-Finnish) alleles. Based on insufficient or conflicting evidence, the clinical significance of this alteration remains unclear.